The following is an entry in ClinVar:

ClinVar aggregate classification (germline): Uncertain significance (1 of 4 stars; one submission).

Submission:

Labcorp Genetics (formerly Invitae), Labcorp
Classification: Uncertain significance. Last evaluated: 2021-06-07. Review status: criteria provided, single submitter. Criteria: Invitae Variant Classification Sherloc (09022015). Collection method: clinical testing. Allele origin: germline.
Comment: In summary, the available evidence is currently insufficient to determine the role of this variant in disease. Therefore, it has been classified as a Variant of Uncertain Significance. Algorithms developed to predict the effect of missense changes on protein structure and function are either unavailable or do not agree on the potential impact of this missense change (SIFT: "Not Available"; PolyPhen-2: "Probably Damaging"; Align-GVGD: "Not Available"). This variant has not been reported in the literature in individuals with LCT-related conditions. This variant is not present in population databases (ExAC no frequency). This sequence change replaces serine with tyrosine at codon 722 of the LCT protein (p.Ser722Tyr). The serine residue is highly conserved and there is a large physicochemical difference between serine and tyrosine.

NM_002299.4(LCT):c.2165C>A (p.Ser722Tyr)

Gene: LCT (lactase; minus strand). Cytogenetic location: 2q21.3.
Variant type: single nucleotide variant.
Coding change: c.2165C>A on transcript NM_002299.4 (MANE Select); coding-DNA position 2165, C replaced by A.
Protein change: p.Ser722Tyr; replaces serine 722 with tyrosine.
Molecular consequence: missense variant.
Genome position (GRCh38, 1-based): chr2:135,812,499, G>T on the plus strand (C>A on the coding strand, the complement: LCT is on the minus strand). VCF-style: chr2-135812499-G-T. GRCh37 (hg19) VCF-style: chr2-136570069-G-T.
Other names: short protein forms S722Y.
Identifiers: ClinVar variation 1497224 (VCV001497224.8), dbSNP rs2105537639, ClinGen allele CA348604542.